The following is an entry in ClinVar:

ClinVar aggregate classification (germline): Likely benign. Review status: criteria provided, multiple submitters, no conflicts (2 of 4 stars). 3 submissions from 3 submitters: Likely benign (3). Last evaluated 2023-08-03.

Conditions:
Shprintzen-Goldberg syndrome (SGS). Also called: Marfanoid disorder with craniosynostosis type 1; Marfanoid craniosynostosis syndrome; Shprintzen-Goldberg marfanoid syndrome; SHPRINTZEN-GOLDBERG CRANIOSYNOSTOSIS SYNDROME; CRANIOSYNOSTOSIS WITH ARACHNODACTYLY AND ABDOMINAL HERNIAS. Identifiers: Orphanet 2462, MedGen C1321551, MONDO:0008426, OMIM 182212.
Familial thoracic aortic aneurysm and aortic dissection (TAAD). Also called: Thoracic aortic aneurysms and dissections. Identifiers: Orphanet 91387, MedGen C4707243, MONDO:0019625.

Allele frequency attached by ClinVar (database versions not stated): TOPMed 0.00001.
gnomAD v4.1: 4 of 1,395,612 alleles (0.00029%); highest among the groups gnomAD compares: Non-Finnish European, 0.00037%; no homozygotes.

Submissions (3):

Labcorp Genetics (formerly Invitae), Labcorp
Classification: Likely benign for Shprintzen-Goldberg syndrome. Last evaluated: 2023-08-03. Review status: criteria provided, single submitter. Criteria: Invitae Variant Classification Sherloc (09022015). Collection method: clinical testing. Allele origin: germline.

CeGaT Center for Human Genetics Tuebingen
Classification: Likely benign. Last evaluated: 2022-08-01. Review status: criteria provided, single submitter. Criteria: CeGaT Center For Human Genetics Tuebingen Variant Classification Criteria Version 2. Collection method: clinical testing. Allele origin: germline. Affected: yes. Observed: 1 variant allele.
Comment: SKI: PM2:Supporting, BP4, BP7

Ambry Genetics
Classification: Likely benign for Familial thoracic aortic aneurysm and aortic dissection. Last evaluated: 2022-07-23. Review status: criteria provided, single submitter. Criteria: Ambry Variant Classification Scheme 2023. Collection method: clinical testing. Allele origin: germline.

NM_003036.4(SKI):c.183G>C (p.Pro61=)

Gene: SKI (SKI proto-oncogene; plus strand). Cytogenetic location: 1p36.33.
Variant type: single nucleotide variant.
Coding change: c.183G>C on transcript NM_003036.4 (MANE Select); coding-DNA position 183, G replaced by C.
Protein change: p.Pro61=; no amino-acid change (proline 61 retained).
Molecular consequence: synonymous variant.
Genome position (GRCh38, 1-based): chr1:2,228,949, G>C. VCF-style: chr1-2228949-G-C. GRCh37 (hg19) VCF-style: chr1-2160388-G-C.
Identifiers: ClinVar variation 463397 (VCV000463397.40), dbSNP rs774187595, ClinGen allele CA415774222.